The following is an entry in ClinVar:

ClinVar aggregate classification (germline): Uncertain significance. Review status: criteria provided, multiple submitters, no conflicts (2 of 4 stars). 2 submissions from 2 submitters: Uncertain significance (2). Last evaluated 2026-03-31.

Conditions:
Inborn genetic diseases. Identifiers: MedGen C0950123, MeSH D030342.
Developmental and epileptic encephalopathy, 42 (DEE42A). Also called: Epileptic encephalopathy, early infantile, 42; DEVELOPMENTAL AND EPILEPTIC ENCEPHALOPATHY 42A; EPILEPTIC ENCEPHALOPATHY, EARLY INFANTILE, 42A. Identifiers: MedGen C4310716, MONDO:0014917, OMIM 617106.
Episodic ataxia type 2 (EA2). Also called: EPISODIC ATAXIA, NYSTAGMUS-ASSOCIATED; ACETAZOLAMIDE-RESPONSIVE HEREDITARY PAROXYSMAL CEREBELLAR ATAXIA; ATAXIA, EPISODIC, WITH NYSTAGMUS; ATAXIA, FAMILIAL PAROXYSMAL; CEREBELLAR ATAXIA, PAROXYSMAL, ACETAZOLAMIDE-RESPONSIVE; CEREBELLOPATHY, HEREDITARY PAROXYSMAL. Identifiers: Orphanet 97, MedGen C1720416, MONDO:0007163, OMIM 108500.

Allele frequency attached by ClinVar (database versions not stated): gnomAD exomes below 0.00001; gnomAD 0.00001; TOPMed 0.00001.
gnomAD v4.1: 4 of 1,459,202 alleles (0.00027%); highest among the groups gnomAD compares: Non-Finnish European, 0.00037%; no homozygotes.

Submissions (2):

Ambry Genetics
Classification: Uncertain significance for Inborn genetic diseases. Last evaluated: 2026-03-31. Review status: criteria provided, single submitter. Criteria: Ambry Variant Classification Scheme 2023. Collection method: clinical testing. Allele origin: germline.

Labcorp Genetics (formerly Invitae), Labcorp
Classification: Uncertain significance for Developmental and epileptic encephalopathy, 42; Episodic ataxia type 2. Last evaluated: 2021-05-18. Review status: criteria provided, single submitter. Criteria: Invitae Variant Classification Sherloc (09022015). Collection method: clinical testing. Allele origin: germline.
Comment: Advanced modeling of protein sequence and biophysical properties (such as structural, functional, and spatial information, amino acid conservation, physicochemical variation, residue mobility, and thermodynamic stability) performed at Invitae indicates that this missense variant is not expected to disrupt CACNA1A protein function. In summary, the available evidence is currently insufficient to determine the role of this variant in disease. Therefore, it has been classified as a Variant of Uncertain Significance. Algorithms developed to predict the effect of sequence changes on RNA splicing suggest that this variant may create or strengthen a splice site, but this prediction has not been confirmed by published transcriptional studies. This variant has not been reported in the literature in individuals with CACNA1A-related conditions. This variant is not present in population databases (ExAC no frequency). This sequence change replaces threonine with serine at codon 1182 of the CACNA1A protein (p.Thr1182Ser). The threonine residue is moderately conserved and there is a small physicochemical difference between threonine and serine.

NM_001127222.2(CACNA1A):c.3542C>G (p.Thr1181Ser)

Gene: CACNA1A (calcium voltage-gated channel subunit alpha1 A; minus strand). Cytogenetic location: 19p13.13.
Variant type: single nucleotide variant.
Coding change: c.3542C>G on transcript NM_001127222.2 (MANE Select); coding-DNA position 3542, C replaced by G.
Protein change: p.Thr1181Ser; replaces threonine 1181 with serine.
Molecular consequence: missense variant.
Genome position (GRCh38, 1-based): chr19:13,286,514, G>C on the plus strand (C>G on the coding strand, the complement: CACNA1A is on the minus strand). VCF-style: chr19-13286514-G-C. GRCh37 (hg19) VCF-style: chr19-13397328-G-C.
Other names: c.3545C>G (NM_001127221.1); c.3554C>G, p.Thr1185Ser (NM_000068.4, NM_023035.3); c.3545C>G, p.Thr1182Ser (NM_001127221.2, NM_001174080.2); short protein forms T1182S, T1185S, T1181S.
Identifiers: ClinVar variation 1399632 (VCV001399632.9), dbSNP rs1250790986, ClinGen allele CA404341161.